The following is an entry in ClinVar:

ClinVar aggregate classification (germline): Likely pathogenic. Review status: criteria provided, single submitter (1 of 4 stars). 2 submissions from 2 submitters: Likely pathogenic (1). 1 of the submissions does not count toward it. Last evaluated 2025-07-28.

Conditions:
Hereditary cancer-predisposing syndrome. Also called: Hereditary Cancer Syndrome; Hereditary neoplastic syndrome; Neoplastic Syndromes, Hereditary; Tumor predisposition. Identifiers: Orphanet 140162, MedGen C0027672, MeSH D009386, MONDO:0015356.
Breast-ovarian cancer, familial, susceptibility to, 1 (BROVCA1). Also called: BRCA1 Hereditary Breast and Ovarian Cancer; OVARIAN CANCER, SUSCEPTIBILITY TO. Identifiers: Orphanet 145, MedGen C2676676, MONDO:0011450, OMIM 604370. Disease mechanism: loss of function.

Submissions (3):

Ambry Genetics
Classification: Likely pathogenic for Hereditary cancer-predisposing syndrome. Last evaluated: 2025-07-28. Review status: criteria provided, single submitter. Criteria: Ambry Variant Classification Scheme 2023. Collection method: clinical testing. Allele origin: germline.
Comment: The c.5045A>T variant (also known as p.E1682V), located in coding exon 15 of the BRCA1 gene, results from an A to T substitution at nucleotide position 5045. The glutamic acid at codon 1682 is replaced by valine, an amino acid with dissimilar properties. One functional study found that this nucleotide substitution is non-functional in a high throughput genome editing haploid cell survival assay (Findlay GM et al. Nature, 2018 Oct;562:217-222). In silico splice site analysis predicts that this alteration will weaken the native splice donor site. RNA studies have demonstrated that this alteration results in abnormal splicing in the set of samples tested (Ambry internal data). Based on the majority of available evidence to date, this variant is likely to be pathogenic.

Breast Cancer Information Core (BIC) (BRCA1)
Classification: Uncertain significance for Breast-ovarian cancer, familial 1. Last evaluated: 2003-12-23. Review status: no assertion criteria provided. Collection method: clinical testing. Allele origin: germline. Affected: yes. Observed: 1 variant allele. Not counted in ClinVar's aggregate classification.

Brotman Baty Institute, University of Washington
No classification provided (evidence only). Condition: Breast-ovarian cancer, familial 1. Review status: no classification provided. Collection method: in vitro. Allele origin: not applicable. Functional consequence: functionally_abnormal. Not counted in ClinVar's aggregate classification.
ClinVar note: "not provided" was previously submitted as the classification for the variant. However, the classification appeared to be based only on an observation of functional data so it was converted to no classification on 2025-07-30.

Literature cited by the submitters: PubMed 30209399 (cited by Ambry Genetics).

NM_007294.4(BRCA1):c.5045A>T (p.Glu1682Val)

Gene: BRCA1 (BRCA1 DNA repair associated; minus strand). Cytogenetic location: 17q21.31.
Variant type: single nucleotide variant.
Coding change: c.5045A>T on transcript NM_007294.4 (MANE Select); coding-DNA position 5045, A replaced by T.
Protein change: p.Glu1682Val; replaces glutamic acid 1682 with valine.
Molecular consequence: missense variant. On other transcripts: non-coding transcript variant (1).
Genome position (GRCh38, 1-based): chr17:43,067,637, T>A on the plus strand (A>T on the coding strand, the complement: BRCA1 is on the minus strand). VCF-style: chr17-43067637-T-A. GRCh37 (hg19) VCF-style: chr17-41219654-T-A.
Other names: c.5042A>T, p.Glu1681Val (NM_001407613.1, NM_001407614.1, NM_001407615.1 and 17 more transcripts); c.5039A>T, p.Glu1680Val (NM_001407632.1, NM_001407633.1, NM_001407634.1 and 14 more transcripts); c.4838A>T, p.Glu1613Val (NM_001407874.1, NM_001407875.1); c.4835A>T, p.Glu1612Val (NM_001407879.1, NM_001407881.1, NM_001407882.1 and 5 more transcripts); c.1613A>T, p.Glu538Val (NM_001408431.1, NM_001408425.1, NM_001408426.1 and 4 more transcripts); c.1610A>T, p.Glu537Val (NM_001408432.1, NM_001408433.1, NM_001408434.1 and 10 more transcripts); c.4967A>T, p.Glu1656Val (NM_001407654.1, NM_001407655.1, NM_001407653.1); c.4964A>T, p.Glu1655Val (NM_001407656.1, NM_001407657.1, NM_001407658.1); and 70 more; short protein forms E1682V, E1703V, E1635V, E578V, E507V, E532V, E534V, E540V.
Identifiers: ClinVar variation 55362 (VCV000055362.7), dbSNP rs80357265, ClinGen allele CA003172.